The following is an entry in ClinVar:

NM_020987.5(ANK3):c.8054G>A (p.Ser2685Asn)

Gene: ANK3 (ankyrin 3; minus strand). Cytogenetic location: 10q21.2.
Variant type: single nucleotide variant.
Coding change: c.8054G>A on transcript NM_020987.5 (MANE Select); coding-DNA position 8054, G replaced by A.
Protein change: p.Ser2685Asn; replaces serine 2685 with asparagine.
Molecular consequence: missense variant. On other transcripts: intron variant (4).
Genome position (GRCh38, 1-based): chr10:60,072,827, C>T on the plus strand (G>A on the coding strand, the complement: ANK3 is on the minus strand). VCF-style: chr10-60072827-C-T. GRCh37 (hg19) VCF-style: chr10-61832585-C-T.
Other names: c.8054G>A (NM_020987.3); c.4388-4818G>A (NM_001204403.2); c.4409-4818G>A (NM_001204404.2); c.4406-4818G>A (NM_001320874.2); c.1808-4818G>A (NM_001149.4); short protein forms S2685N.
Identifiers: ClinVar variation 1399661 (VCV001399661.10), dbSNP rs750585326, ClinGen allele CA5511617.

ClinVar aggregate classification (germline): Uncertain significance. Review status: criteria provided, multiple submitters, no conflicts (2 of 4 stars). 2 submissions from 2 submitters: Uncertain significance (2). Last evaluated 2025-10-02.

Conditions:
Inborn genetic diseases. Identifiers: MedGen C0950123, MeSH D030342.

Allele frequency attached by ClinVar (database versions not stated): gnomAD 0.00001; ExAC 0.00003; gnomAD exomes 0.00003; TOPMed 0.00006.
gnomAD v4.1: 46 of 1,613,986 alleles (0.0029%); highest among the groups gnomAD compares: Middle Eastern, 0.12%; no homozygotes.

Submissions (2):

Ambry Genetics
Classification: Uncertain significance for Inborn genetic diseases. Last evaluated: 2025-10-02. Review status: criteria provided, single submitter. Criteria: Ambry Variant Classification Scheme 2023. Collection method: clinical testing. Allele origin: germline.

Labcorp Genetics (formerly Invitae), Labcorp
Classification: Uncertain significance. Last evaluated: 2025-05-16. Review status: criteria provided, single submitter. Criteria: Invitae Variant Classification Sherloc (09022015). Collection method: clinical testing. Allele origin: germline.
Comment: This sequence change replaces serine, which is neutral and polar, with asparagine, which is neutral and polar, at codon 2685 of the ANK3 protein (p.Ser2685Asn). This variant is present in population databases (rs750585326, gnomAD 0.006%). This variant has not been reported in the literature in individuals affected with ANK3-related conditions. ClinVar contains an entry for this variant (Variation ID: 1399661). Invitae Evidence Modeling of protein sequence and biophysical properties (such as structural, functional, and spatial information, amino acid conservation, physicochemical variation, residue mobility, and thermodynamic stability) indicates that this missense variant is not expected to disrupt ANK3 protein function with a negative predictive value of 80%. In summary, the available evidence is currently insufficient to determine the role of this variant in disease. Therefore, it has been classified as a Variant of Uncertain Significance.